The following is an entry in ClinVar:

NM_173598.6(KSR2):c.*41G>A

Gene: KSR2 (kinase suppressor of ras 2; minus strand). Cytogenetic location: 12q24.22.
Variant type: single nucleotide variant.
Coding change: c.*41G>A on transcript NM_173598.6 (MANE Select); 41 bases downstream of the stop codon, G replaced by A.
Molecular consequence: 3 prime UTR variant.
Genome position (GRCh38, 1-based): chr12:117,467,158, C>T on the plus strand (G>A on the coding strand, the complement: KSR2 is on the minus strand). VCF-style: chr12-117467158-C-T. GRCh37 (hg19) VCF-style: chr12-117904963-C-T.
Identifiers: ClinVar variation 3358574 (VCV003358574.1).

ClinVar aggregate classification (germline): Likely benign (0 of 4 stars; one submission).

Conditions:
KSR2-related disorder. Also called: KSR2-related condition.

Submission:

PreventionGenetics, part of Exact Sciences
Classification: Likely benign for KSR2-related condition. Last evaluated: 2024-09-16. Review status: no assertion criteria provided. Collection method: clinical testing. Allele origin: germline.
Comment: This variant is classified as likely benign based on ACMG/AMP sequence variant interpretation guidelines (Richards et al. 2015 PMID: 25741868, with internal and published modifications).